The following is an entry in ClinVar:

ClinVar aggregate classification (germline): Likely benign. Review status: criteria provided, multiple submitters, no conflicts (2 of 4 stars). 2 submissions from 2 submitters: Likely benign (2). Last evaluated 2024-01-04.

Allele frequency attached by ClinVar (database versions not stated): gnomAD exomes below 0.00001; ExAC 0.00001.
gnomAD v4.1: 3 of 1,613,400 alleles (0.00019%); highest among the groups gnomAD compares: Middle Eastern, 0.033%; no homozygotes.

Submissions (2):

Labcorp Genetics (formerly Invitae), Labcorp
Classification: Likely benign. Last evaluated: 2024-01-04. Review status: criteria provided, single submitter. Criteria: Invitae Variant Classification Sherloc (09022015). Collection method: clinical testing. Allele origin: germline.

Laboratory for Molecular Medicine, Mass General Brigham Personalized Medicine
Classification: Likely benign. Last evaluated: 2017-08-23. Review status: criteria provided, single submitter. Criteria: LMM Criteria. Collection method: clinical testing. Allele origin: germline. Observed: 1 variant allele.
Comment: p.Val482Val in exon 14 of OTOF: This variant is not expected to have clinical si gnificance because it does not alter an amino acid residue and is not located wi thin the splice consensus sequence. It has been identified in 1/65848 European c hromosomes by the Exome Aggregation Consortium (ExAC .org; dbSNP rs749138873).

NM_194248.3(OTOF):c.1446C>T (p.Val482=)

Gene: OTOF (otoferlin; minus strand). Cytogenetic location: 2p23.3.
Variant type: single nucleotide variant.
Coding change: c.1446C>T on transcript NM_194248.3 (MANE Select); coding-DNA position 1446, C replaced by T.
Protein change: p.Val482=; no amino-acid change (valine 482 retained).
Molecular consequence: synonymous variant.
Genome position (GRCh38, 1-based): chr2:26,482,539, G>A on the plus strand (C>T on the coding strand, the complement: OTOF is on the minus strand). VCF-style: chr2-26482539-G-A. GRCh37 (hg19) VCF-style: chr2-26705407-G-A.
Other names: c.1446C>T, p.Val482= (NM_001287489.2).
Identifiers: ClinVar variation 666730 (VCV000666730.7), dbSNP rs749138873, ClinGen allele CA1564266.